The following is an entry in ClinVar:

NM_030667.3(PTPRO):c.3546+9A>G

Gene: PTPRO (protein tyrosine phosphatase receptor type O; plus strand). Cytogenetic location: 12p12.3.
Variant type: single nucleotide variant.
Coding change: c.3546+9A>G on transcript NM_030667.3 (MANE Select); 9 bases into the intron after coding-DNA position 3546, A replaced by G.
Molecular consequence: intron variant.
Genome position (GRCh38, 1-based): chr12:15,589,599, A>G. VCF-style: chr12-15589599-A-G. GRCh37 (hg19) VCF-style: chr12-15742533-A-G.
Other names: c.3462+9A>G (NM_002848.4); c.1113+9A>G (NM_030671.3, NM_030669.3); c.1029+9A>G (NM_030670.3, NM_030668.3).
Identifiers: ClinVar variation 3055938 (VCV003055938.2), dbSNP rs1591776237, ClinGen allele CA2018293865.

ClinVar aggregate classification (germline): Likely benign (0 of 4 stars; one submission).

Conditions:
PTPRO-related disorder. Also called: PTPRO-related condition.

Allele frequency attached by ClinVar (database versions not stated): TOPMed below 0.00001; gnomAD exomes 0.00001.
gnomAD v4.1: 8 of 1,613,940 alleles (0.0005%); highest among the groups gnomAD compares: Non-Finnish European, 0.00068%; no homozygotes.

Submission:

PreventionGenetics, part of Exact Sciences
Classification: Likely benign for PTPRO-related condition. Last evaluated: 2021-07-07. Review status: no assertion criteria provided. Collection method: clinical testing. Allele origin: germline.
Comment: This variant is classified as likely benign based on ACMG/AMP sequence variant interpretation guidelines (Richards et al. 2015 PMID: 25741868, with internal and published modifications).